The following is an entry in ClinVar:

NM_001369.3(DNAH5):c.1465A>G (p.Thr489Ala)

Gene: DNAH5 (dynein axonemal heavy chain 5; minus strand). Cytogenetic location: 5p15.2.
Variant type: single nucleotide variant.
Coding change: c.1465A>G on transcript NM_001369.3 (MANE Select); coding-DNA position 1465, A replaced by G.
Protein change: p.Thr489Ala; replaces threonine 489 with alanine.
Molecular consequence: missense variant.
Genome position (GRCh38, 1-based): chr5:13,913,814, T>C on the plus strand (A>G on the coding strand, the complement: DNAH5 is on the minus strand). VCF-style: chr5-13913814-T-C. GRCh37 (hg19) VCF-style: chr5-13913923-T-C.
Other names: c.1465A>G (NM_001369.2); short protein forms T489A.
Identifiers: ClinVar variation 1022436 (VCV001022436.3), dbSNP rs779916415, ClinGen allele CA3204847.

ClinVar aggregate classification (germline): Uncertain significance. Review status: criteria provided, multiple submitters, no conflicts (2 of 4 stars). 2 submissions from 2 submitters: Uncertain significance (2). Last evaluated 2024-10-25.

Conditions:
Primary ciliary dyskinesia. Also called: Ciliary dyskinesia. Identifiers: Orphanet 244, MedGen C0008780, MONDO:0016575, HP:0012265.

Allele frequency attached by ClinVar (database versions not stated): gnomAD exomes 0.00001 and 0.00003; ExAC 0.00002.
gnomAD v4.1: 45 of 1,613,608 alleles (0.0028%); highest among the groups gnomAD compares: Non-Finnish European, 0.0036%; no homozygotes.

Submissions (2):

Ambry Genetics
Classification: Uncertain significance for Primary ciliary dyskinesia. Last evaluated: 2024-10-25. Review status: criteria provided, single submitter. Criteria: Ambry Variant Classification Scheme 2023. Collection method: clinical testing. Allele origin: germline.

Labcorp Genetics (formerly Invitae), Labcorp
Classification: Uncertain significance for Primary ciliary dyskinesia. Last evaluated: 2021-08-26. Review status: criteria provided, single submitter. Criteria: Invitae Variant Classification Sherloc (09022015). Collection method: clinical testing. Allele origin: germline.
Comment: This sequence change replaces threonine with alanine at codon 489 of the DNAH5 protein (p.Thr489Ala). The threonine residue is moderately conserved and there is a small physicochemical difference between threonine and alanine. This variant is present in population databases (rs779916415, ExAC 0.003%). This variant has not been reported in the literature in individuals affected with DNAH5-related conditions. Algorithms developed to predict the effect of missense changes on protein structure and function output the following: SIFT: "Tolerated"; PolyPhen-2: "Possibly Damaging"; Align-GVGD: "Class C0". The alanine amino acid residue is found in multiple mammalian species, which suggests that this missense change does not adversely affect protein function. Algorithms developed to predict the effect of sequence changes on RNA splicing suggest that this variant may create or strengthen a splice site. In summary, the available evidence is currently insufficient to determine the role of this variant in disease. Therefore, it has been classified as a Variant of Uncertain Significance.